The following is an entry in ClinVar:

ClinVar aggregate classification (germline): Uncertain significance (1 of 4 stars; one submission).

Submission:

Labcorp Genetics (formerly Invitae), Labcorp
Classification: Uncertain significance. Last evaluated: 2024-12-31. Review status: criteria provided, single submitter. Criteria: Invitae Variant Classification Sherloc (09022015). Collection method: clinical testing. Allele origin: germline.
Comment: This sequence change creates a premature translational stop signal (p.Asn1746Ilefs*17) in the TET2 gene. While this is not anticipated to result in nonsense mediated decay, it is expected to disrupt the last 257 amino acid(s) of the TET2 protein. This variant is not present in population databases (gnomAD no frequency). This variant has not been reported in the literature in individuals affected with TET2-related conditions. In summary, the available evidence is currently insufficient to determine the role of this variant in disease. Therefore, it has been classified as a Variant of Uncertain Significance.

NM_001127208.3(TET2):c.5237del (p.Asn1746fs)

Genes: TET2-AS1 (TET2 antisense RNA 1; minus strand), TET2 (tet methylcytosine dioxygenase 2; plus strand). Cytogenetic location: 4q24.
Variant type: Deletion.
Coding change: c.5237del on transcript NM_001127208.3 (MANE Select); coding-DNA position 5237, one base deleted (A; older notation c.5237delA).
Protein change: p.Asn1746fs; shifts the reading frame from asparagine 1746.
Molecular consequence: frameshift variant.
Genome position (GRCh38, 1-based): chr4:105,275,747, A deleted; the last of 2 consecutive A bases (chr4:105,275,746-105,275,747); deleting either gives the same sequence. VCF-style (leftmost placement, unchanged base first): chr4-105275745-CA-C. GRCh37 (hg19) VCF-style: chr4-106196902-CA-C.
Other names: short protein forms N1746fs.
Identifiers: ClinVar variation 3723232 (VCV003723232.2).